The following is an entry in ClinVar:

NM_000059.4(BRCA2):c.6550C>A (p.Gln2184Lys)

Gene: BRCA2 (BRCA2 DNA repair associated; plus strand). Cytogenetic location: 13q13.1.
Variant type: single nucleotide variant.
Coding change: c.6550C>A on transcript NM_000059.4 (MANE Select); coding-DNA position 6550, C replaced by A.
Protein change: p.Gln2184Lys; replaces glutamine 2184 with lysine.
Molecular consequence: missense variant.
Genome position (GRCh38, 1-based): chr13:32,340,905, C>A. VCF-style: chr13-32340905-C-A. GRCh37 (hg19) VCF-style: chr13-32915042-C-A.
Other names: short protein forms Q2184K.
Identifiers: ClinVar variation 1040926 (VCV001040926.13), dbSNP rs80358887, ClinGen allele CA387789777.

ClinVar aggregate classification (germline): Conflicting classifications of pathogenicity. Review status: criteria provided, conflicting classifications (1 of 4 stars). 2 submissions from 2 submitters: Uncertain significance (1); Likely benign (1). Last evaluated 2024-10-24.

Conditions:
Hereditary cancer-predisposing syndrome. Also called: Hereditary Cancer Syndrome; Tumor predisposition; Hereditary neoplastic syndrome; Neoplastic Syndromes, Hereditary. Identifiers: Orphanet 140162, MedGen C0027672, MeSH D009386, MONDO:0015356.
Hereditary breast ovarian cancer syndrome. Also called: Hereditary breast and ovarian cancer syndrome (HBOC); Breast and ovarian cancer; Hereditary breast and ovarian cancer syndrome; Hereditary breast and ovarian cancer; Hereditary breast and/or ovarian cancer syndrome; BRCA1- and BRCA2-Associated Hereditary Breast and Ovarian Cancer. Identifiers: Orphanet 145, MedGen C0677776, MeSH D061325, MONDO:0003582. Disease mechanism: loss of function.

Submissions (2):

Labcorp Genetics (formerly Invitae), Labcorp
Classification: Uncertain significance for Hereditary breast ovarian cancer syndrome. Last evaluated: 2024-10-24. Review status: criteria provided, single submitter. Criteria: Invitae Variant Classification Sherloc (09022015). Collection method: clinical testing. Allele origin: germline.
Comment: This sequence change replaces glutamine, which is neutral and polar, with lysine, which is basic and polar, at codon 2184 of the BRCA2 protein (p.Gln2184Lys). This variant is not present in population databases (gnomAD no frequency). This variant has not been reported in the literature in individuals affected with BRCA2-related conditions. ClinVar contains an entry for this variant (Variation ID: 1040926). Invitae Evidence Modeling of protein sequence and biophysical properties (such as structural, functional, and spatial information, amino acid conservation, physicochemical variation, residue mobility, and thermodynamic stability) indicates that this missense variant is not expected to disrupt BRCA2 protein function with a negative predictive value of 95%. In summary, the available evidence is currently insufficient to determine the role of this variant in disease. Therefore, it has been classified as a Variant of Uncertain Significance.

University of Washington Department of Laboratory Medicine, University of Washington
Classification: Likely benign for Hereditary cancer-predisposing syndrome. Last evaluated: 2023-03-23. Review status: criteria provided, single submitter. Criteria: Dines et al. (Genet Med. 2020). Collection method: curation. Allele origin: germline.
Comment: Missense variant in a coldspot region where missense variants are very unlikely to be pathogenic (PMID:31911673).

BRCA2 exon 11 coldspot. Reclassification based on statistical prior probability.